The following is an entry in ClinVar:

NM_032119.4(ADGRV1):c.6307G>T (p.Glu2103Ter)

Gene: ADGRV1 (adhesion G protein-coupled receptor V1; plus strand). Cytogenetic location: 5q14.3.
Variant type: single nucleotide variant.
Coding change: c.6307G>T on transcript NM_032119.4 (MANE Select); coding-DNA position 6307, G replaced by T.
Protein change: p.Glu2103Ter; replaces glutamic acid 2103 with a stop codon.
Molecular consequence: nonsense. On other transcripts: non-coding transcript variant (1).
Genome position (GRCh38, 1-based): chr5:90,685,812, G>T. VCF-style: chr5-90685812-G-T. GRCh37 (hg19) VCF-style: chr5-89981629-G-T.
Other names: short protein forms E2103*.
Identifiers: ClinVar variation 1459044 (VCV001459044.8), dbSNP rs2149594548, ClinGen allele CA360362894.

ClinVar aggregate classification (germline): Pathogenic (1 of 4 stars; one submission).

gnomAD v4.1: 6 of 1,610,912 alleles (0.00037%); highest among the groups gnomAD compares: Non-Finnish European, 0.00042%; no homozygotes.

Submission:

Labcorp Genetics (formerly Invitae), Labcorp
Classification: Pathogenic. Last evaluated: 2022-09-27. Review status: criteria provided, single submitter. Criteria: Invitae Variant Classification Sherloc (09022015). Collection method: clinical testing. Allele origin: germline.
Comment: ClinVar contains an entry for this variant (Variation ID: 1459044). This premature translational stop signal has been observed in individual(s) with Usher syndrome (PMID: 22135276). This variant is not present in population databases (gnomAD no frequency). This sequence change creates a premature translational stop signal (p.Glu2103*) in the ADGRV1 gene. It is expected to result in an absent or disrupted protein product. Loss-of-function variants in ADGRV1 are known to be pathogenic (PMID: 19357117, 22135276, 22147658, 26226137, 30718709, 31047384, 32467589). For these reasons, this variant has been classified as Pathogenic.

Literature cited by the submitters: PubMed 22135276; PubMed 19357117; PubMed 22147658; PubMed 26226137; PubMed 30718709; PubMed 31047384; PubMed 32467589.